The following is an entry in ClinVar:

NM_000169.3(GLA):c.1177_1178insG (p.Lys393fs)

Genes: GLA (galactosidase alpha; minus strand), RPL36A-HNRNPH2 (RPL36A-HNRNPH2 readthrough; plus strand). Cytogenetic location: Xq22.1.
Variant type: Insertion.
Coding change: c.1177_1178insG on transcript NM_000169.3 (MANE Select); coding-DNA positions 1177 to 1178, G inserted.
Protein change: p.Lys393fs; shifts the reading frame from lysine 393.
Molecular consequence: frameshift variant. On other transcripts: non-coding transcript variant (3), intron variant (2).
Genome position: GRCh38 VCF-style: chrX-101397921-T-TC. GRCh37 (hg19) VCF-style: chrX-100652909-T-TC.
Other names: c.1300_1301insG, p.Lys434fs (NM_001406747.1); c.300+2464_300+2465insC (NM_001199973.2); c.177+6099_177+6100insC (NM_001199974.2); short protein forms K393fs, K434fs.
Identifiers: ClinVar variation 4087073 (VCV004087073.2).

ClinVar aggregate classification (germline): Pathogenic (1 of 4 stars; one submission).

Conditions:
Fabry disease. Also called: ALPHA-GALACTOSIDASE A DEFICIENCY; ANDERSON-FABRY DISEASE; CERAMIDE TRIHEXOSIDASE DEFICIENCY; GLA DEFICIENCY; HEREDITARY DYSTOPIC LIPIDOSIS; Angiokeratoma corporis diffusum. Identifiers: Orphanet 324, MedGen C0002986, MONDO:0010526, OMIM 301500, HP:0001071. Disease mechanism: Fabry disease is due to inactivating mutations in the X-linked GLA gene resulting in deficiency of the enzyme Alpha Galactosidase-A., loss of function.

Submission:

Genomenon, Inc
Classification: Pathogenic for Fabry disease. Last evaluated: 2026-09-08. Review status: criteria provided, single submitter. Criteria: Genomenon Sequence Variant Interpretation Standards - Updated. Collection method: curation. Allele origin: germline. Affected: yes.
Comment: GLA p.Lys393ArgfsTer6 (c.1177_1178insG) is a frameshift variant that is predicted to introduce a premature termination codon and result in a truncated or absent protein product. This variant has been observed in at least one proband with clinical features consistent with Fabry disease (PMID:22551898). Functional or patient cell studies have been reported (PMID:22551898). It is absent or not present at a significant frequency in gnomAD. In conclusion, we classify GLA p.Lys393ArgfsTer6 (c.1177_1178insG) as a pathogenic variant.

Literature cited by the submitters: PubMed 22551898.